The following continues an entry in ClinVar:

NM_000243.3(MEFV):c.1772T>C (p.Ile591Thr)

ClinVar aggregate classification (germline): Conflicting classifications of pathogenicity. Uncertain significance (2); Benign (3); Likely benign (8).

Submissions 12 to 15 of 15:

Eurofins Ntd Llc (ga)
Classification: Likely benign. Last evaluated: 2015-06-26. Review status: criteria provided, single submitter. Criteria: EGL Classification Definitions 2015. Collection method: clinical testing. Allele origin: germline. Observed: 3 variant alleles, 3 heterozygotes.

Center for Genomics, Ann and Robert H. Lurie Children's Hospital of Chicago
Classification: Likely benign for Acute febrile neutrophilic dermatosis; Familial Mediterranean fever; Familial Mediterranean fever, autosomal dominant. Review status: criteria provided, single submitter. Criteria: ACMG Guidelines, 2015. Collection method: clinical testing. Allele origin: germline.
Comment: MEFV NM_000243.2 exon9 p.Ile591Thr (c.1772T>C): This variant has been reported in the literature as a compound heterozygote in at least 2 individuals with Familial Mediterranean Fever (FMF) as well as a heterozygote in at least 5 individuals with FMF (Aldea 2002 PMID:12124996, Tchernitchko 2005 PMID:16255051, Ustek 2008 PMID:19026119, Toutou 2010 PMID:11464238, Ait-Idir 2011 PMID:22019805, Ceylan 2012 PMID:22614345). This variant is present in 2.1% (526/25104) of Finnish alleles, including 2 homozygotes in the Genome Aggregation Database. This variant is present in ClinVar (Variation ID:36506). This variant amino acid Threonine (Thr) is present in >10 species; this suggests that this variant may not impact the protein. Additional computational prediction tools do not suggest an impact. In summary, despite the high minor allele frequency, data on this variant is insufficient for disease classification. Therefore, the clinical significance of this variant is uncertain.

Natera, Inc.
Classification: Benign for Familial Mediterranean fever. Last evaluated: 2020-01-07. Review status: no assertion criteria provided. Collection method: clinical testing. Allele origin: germline. Not counted in ClinVar's aggregate classification.

GeneReviews
No classification provided. Condition: Familial Mediterranean fever. Review status: no classification provided. Collection method: literature only. Allele origin: germline. Affected: yes. Not counted in ClinVar's aggregate classification.

Literature cited by the submitters: PubMed 11464238 (cited by Women's Health and Genetics/Laboratory Corporation of America, LabCorp); PubMed 16100353 (cited by Women's Health and Genetics/Laboratory Corporation of America, LabCorp); PubMed 19934105 (cited by Women's Health and Genetics/Laboratory Corporation of America, LabCorp); PubMed 16255051 (cited by Women's Health and Genetics/Laboratory Corporation of America, LabCorp); PubMed 12124996 (cited by Women's Health and Genetics/Laboratory Corporation of America, LabCorp); PubMed 17665427 (cited by Women's Health and Genetics/Laboratory Corporation of America, LabCorp); PubMed 20721559 (cited by Women's Health and Genetics/Laboratory Corporation of America, LabCorp); PubMed 21228398 (cited by Women's Health and Genetics/Laboratory Corporation of America, LabCorp); PubMed 22614345 (cited by Women's Health and Genetics/Laboratory Corporation of America, LabCorp); PubMed 22566169 (cited by Women's Health and Genetics/Laboratory Corporation of America, LabCorp); PubMed 19026119 (cited by Women's Health and Genetics/Laboratory Corporation of America, LabCorp); PubMed 22903357 (cited by Women's Health and Genetics/Laboratory Corporation of America, LabCorp); PubMed 22019805 (cited by Women's Health and Genetics/Laboratory Corporation of America, LabCorp and Ambry Genetics); PubMed 23325590 (cited by Women's Health and Genetics/Laboratory Corporation of America, LabCorp); PubMed 25821352 (cited by Women's Health and Genetics/Laboratory Corporation of America, LabCorp); PubMed 29047407 (cited by Women's Health and Genetics/Laboratory Corporation of America, LabCorp); PubMed 29735907 (cited by Women's Health and Genetics/Laboratory Corporation of America, LabCorp); PubMed 29178647 (cited by Women's Health and Genetics/Laboratory Corporation of America, LabCorp); PubMed 31411330 (cited by Women's Health and Genetics/Laboratory Corporation of America, LabCorp); PubMed 30476289 (cited by Women's Health and Genetics/Laboratory Corporation of America, LabCorp); PubMed 31989427 (cited by Women's Health and Genetics/Laboratory Corporation of America, LabCorp); PubMed 32909274 (cited by Women's Health and Genetics/Laboratory Corporation of America, LabCorp); PubMed 26299986 (cited by Ambry Genetics); NCBI Bookshelf NBK1227 (cited by GeneReviews).